The following is an entry in ClinVar:

NM_004380.3(CREBBP):c.7207C>G (p.Pro2403Ala)

Gene: CREBBP (CREB binding lysine acetyltransferase; minus strand). Cytogenetic location: 16p13.3.
Variant type: single nucleotide variant.
Coding change: c.7207C>G on transcript NM_004380.3 (MANE Select); coding-DNA position 7207, C replaced by G.
Protein change: p.Pro2403Ala; replaces proline 2403 with alanine.
Molecular consequence: missense variant.
Genome position (GRCh38, 1-based): chr16:3,727,840, G>C on the plus strand (C>G on the coding strand, the complement: CREBBP is on the minus strand). VCF-style: chr16-3727840-G-C. GRCh37 (hg19) VCF-style: chr16-3777841-G-C.
Other names: c.7093C>G, p.Pro2365Ala (NM_001079846.1); c.7207C>G (NM_004380.2); short protein forms P2365A, P2403A.
Identifiers: ClinVar variation 2026319 (VCV002026319.6), dbSNP rs1379999620, ClinGen allele CA394550308.

ClinVar aggregate classification (germline): Conflicting classifications of pathogenicity. Review status: criteria provided, conflicting classifications (1 of 4 stars). 3 submissions from 3 submitters: Uncertain significance (2); Benign (1). Last evaluated 2025-12-14.

Conditions:
Rubinstein-Taybi syndrome (RSTS). Identifiers: Orphanet 783, MedGen C0035934, MONDO:0019188.
CREBBP-related disorder. Also called: CREBBP-related disorders; CREBBP-related condition.
Menke-Hennekam syndrome 1 (MKHK1). Identifiers: MedGen C5193034, MONDO:0020763, OMIM 618332.
Rubinstein-Taybi syndrome due to CREBBP mutations (RSTS1). Also called: RUBINSTEIN-TAYBI SYNDROME 1, INCOMPLETE; BROAD THUMB-HALLUX SYNDROME; Rubinstein-Taybi syndrome 1; CREBBP-Related Rubinstein-Taybi Syndrome; RUBINSTEIN SYNDROME; BROAD THUMBS AND GREAT TOES, CHARACTERISTIC FACIES, AND IMPAIRED INTELLECTUAL DEVELOPMENT. Identifiers: Orphanet 353277, Orphanet 783, MedGen C4551859, MONDO:0008393, OMIM 180849.

Allele frequency attached by ClinVar (database versions not stated): TOPMed 0.00002; gnomAD 0.00003.
gnomAD v4.1: 9 of 1,614,026 alleles (0.00056%); highest among the groups gnomAD compares: African/African-American, 0.0067%; no homozygotes.

Submissions (3):

PreventionGenetics, part of Exact Sciences
Classification: Uncertain significance for CREBBP-related condition. Last evaluated: 2025-12-14. Review status: criteria provided, single submitter. Criteria: ACMG Guidelines, 2015. Collection method: clinical testing. Allele origin: germline.
Comment: The CREBBP c.7207C>G variant is predicted to result in the amino acid substitution p.Pro2403Ala. To our knowledge, this variant has not been reported in the literature. This variant is reported in 0.0080% of alleles in individuals of African descent in gnomAD. At this time, the clinical significance of this variant is uncertain due to the absence of conclusive functional and genetic evidence.

Fulgent Genetics
Classification: Uncertain significance for Rubinstein-Taybi syndrome due to CREBBP mutations; Menke-Hennekam syndrome 1. Last evaluated: 2024-01-14. Review status: criteria provided, single submitter. Criteria: ACMG Guidelines, 2015. Collection method: clinical testing. Allele origin: germline.

Labcorp Genetics (formerly Invitae), Labcorp
Classification: Benign for Rubinstein-Taybi syndrome. Last evaluated: 2022-08-23. Review status: criteria provided, single submitter. Criteria: Invitae Variant Classification Sherloc (09022015). Collection method: clinical testing. Allele origin: germline.